The following is an entry in ClinVar:

ClinVar aggregate classification (germline): Conflicting classifications of pathogenicity. Review status: criteria provided, conflicting classifications (1 of 4 stars). 2 submissions from 2 submitters: Uncertain significance (1); Likely benign (1). Last evaluated 2021-12-17.

Conditions:
Hereditary breast ovarian cancer syndrome. Also called: Breast and ovarian cancer; Hereditary breast and/or ovarian cancer syndrome; BRCA1- and BRCA2-Associated Hereditary Breast and Ovarian Cancer; Hereditary breast and ovarian cancer syndrome; Hereditary breast and ovarian cancer syndrome (HBOC); Hereditary breast and ovarian cancer. Identifiers: Orphanet 145, MedGen C0677776, MeSH D061325, MONDO:0003582. Disease mechanism: loss of function.
Hereditary cancer-predisposing syndrome. Also called: Tumor predisposition; Hereditary Cancer Syndrome; Hereditary neoplastic syndrome; Neoplastic Syndromes, Hereditary. Identifiers: Orphanet 140162, MedGen C0027672, MeSH D009386, MONDO:0015356.

Submissions (3):

Labcorp Genetics (formerly Invitae), Labcorp
Classification: Uncertain significance for Hereditary breast ovarian cancer syndrome. Last evaluated: 2021-12-17. Review status: criteria provided, single submitter. Criteria: Invitae Variant Classification Sherloc (09022015). Collection method: clinical testing. Allele origin: germline.
Comment: This sequence change replaces threonine, which is neutral and polar, with proline, which is neutral and non-polar, at codon 1802 of the BRCA1 protein (p.Thr1802Pro). In summary, the available evidence is currently insufficient to determine the role of this variant in disease. Therefore, it has been classified as a Variant of Uncertain Significance. Experimental studies have shown that this missense change does not substantially affect BRCA1 function (PMID: 30209399). Algorithms developed to predict the effect of missense changes on protein structure and function (SIFT, PolyPhen-2, Align-GVGD) all suggest that this variant is likely to be tolerated. ClinVar contains an entry for this variant (Variation ID: 485379). This variant has not been reported in the literature in individuals affected with BRCA1-related conditions. This variant is not present in population databases (gnomAD no frequency).

Ambry Genetics
Classification: Likely benign for Hereditary cancer-predisposing syndrome. Last evaluated: 2021-05-20. Review status: criteria provided, single submitter. Criteria: Ambry Variant Classification Scheme 2023. Collection method: clinical testing. Allele origin: germline.

Brotman Baty Institute, University of Washington
No classification provided (evidence only). Condition: Breast-ovarian cancer, familial 1. Review status: no classification provided. Collection method: in vitro. Allele origin: not applicable. Functional consequence: functionally_normal. Not counted in ClinVar's aggregate classification.
ClinVar note: "not provided" was previously submitted as the classification for the variant. However, the classification appeared to be based only on an observation of functional data so it was converted to no classification on 2025-07-30.

Literature cited by the submitters: PubMed 30209399 (cited by Labcorp Genetics (formerly Invitae), Labcorp and Ambry Genetics); PubMed 31161121 (cited by Ambry Genetics).

NM_007294.4(BRCA1):c.5404A>C (p.Thr1802Pro)

Gene: BRCA1 (BRCA1 DNA repair associated; minus strand). Cytogenetic location: 17q21.31.
Variant type: single nucleotide variant.
Coding change: c.5404A>C on transcript NM_007294.4 (MANE Select); coding-DNA position 5404, A replaced by C.
Protein change: p.Thr1802Pro; replaces threonine 1802 with proline.
Molecular consequence: missense variant. On other transcripts: non-coding transcript variant (1), intron variant (1).
Genome position (GRCh38, 1-based): chr17:43,049,123, T>G on the plus strand (A>C on the coding strand, the complement: BRCA1 is on the minus strand). VCF-style: chr17-43049123-T-G. GRCh37 (hg19) VCF-style: chr17-41201140-T-G.
Other names: c.5191A>C, p.Thr1731Pro (NM_001407571.1, NM_001407900.1, NM_001407902.1 and 12 more transcripts); c.5470A>C, p.Thr1824Pro (NM_001407581.1, NM_001407582.1); c.5467A>C, p.Thr1823Pro (NM_001407583.1, NM_001407585.1, NM_001407587.1 and 1 more transcripts); c.5464A>C, p.Thr1822Pro (NM_001407590.1, NM_001407591.1); c.5404A>C, p.Thr1802Pro (NM_001407593.1, NM_001407594.1, NM_001407596.1 and 5 more transcripts); c.5401A>C, p.Thr1801Pro (NM_001407610.1, NM_001407611.1, NM_001407612.1 and 14 more transcripts); c.5398A>C, p.Thr1800Pro (NM_001407627.1, NM_001407628.1, NM_001407629.1 and 13 more transcripts); c.5395A>C, p.Thr1799Pro (NM_001407644.1, NM_001407645.1); and 73 more; short protein forms T1802P, T1755P, T1823P, T698P, T1505P, T1675P, T1690P, T1691P.
Identifiers: ClinVar variation 485379 (VCV000485379.13), dbSNP rs1555575080, ClinGen allele CA10590671.